The following is an entry in ClinVar:

NM_002474.3(MYH11):c.99G>C (p.Lys33Asn)

Gene: MYH11 (myosin heavy chain 11; minus strand). Cytogenetic location: 16p13.11.
Variant type: single nucleotide variant.
Coding change: c.99G>C on transcript NM_002474.3 (MANE Select); coding-DNA position 99, G replaced by C.
Protein change: p.Lys33Asn; replaces lysine 33 with asparagine.
Molecular consequence: missense variant.
Genome position (GRCh38, 1-based): chr16:15,838,154, C>G on the plus strand (G>C on the coding strand, the complement: MYH11 is on the minus strand). VCF-style: chr16-15838154-C-G. GRCh37 (hg19) VCF-style: chr16-15932011-C-G.
Other names: c.99G>C, p.Lys33Asn (NM_001040113.2, NM_001040114.2, NM_022844.3); short protein forms K33N.
Identifiers: ClinVar variation 263841 (VCV000263841.7), dbSNP rs886038944, ClinGen allele CA10587903.

ClinVar aggregate classification (germline): Uncertain significance. Review status: criteria provided, multiple submitters, no conflicts (2 of 4 stars). 2 submissions from 2 submitters: Uncertain significance (2). Last evaluated 2024-12-22.

Conditions:
Familial thoracic aortic aneurysm and aortic dissection (TAAD). Also called: Thoracic aortic aneurysms and dissections. Identifiers: Orphanet 91387, MedGen C4707243, MONDO:0019625.
Aortic aneurysm, familial thoracic 4 (AAT4). Also called: AORTIC ANEURYSM/AORTIC DISSECTION AND PATENT DUCTUS ARTERIOSUS. Identifiers: MedGen C1851504, MONDO:0007568, OMIM 132900.

Allele frequency attached by ClinVar (database versions not stated): gnomAD exomes below 0.00001.
gnomAD v4.1: 2 of 1,614,106 alleles (0.00012%); highest among the groups gnomAD compares: Non-Finnish European, 0.00017%; no homozygotes.

Submissions (2):

Labcorp Genetics (formerly Invitae), Labcorp
Classification: Uncertain significance for Aortic aneurysm, familial thoracic 4. Last evaluated: 2024-12-22. Review status: criteria provided, single submitter. Criteria: Invitae Variant Classification Sherloc (09022015). Collection method: clinical testing. Allele origin: germline.
Comment: This sequence change replaces lysine, which is basic and polar, with asparagine, which is neutral and polar, at codon 33 of the MYH11 protein (p.Lys33Asn). This variant is not present in population databases (gnomAD no frequency). This variant has not been reported in the literature in individuals affected with MYH11-related conditions. ClinVar contains an entry for this variant (Variation ID: 263841). Invitae Evidence Modeling of protein sequence and biophysical properties (such as structural, functional, and spatial information, amino acid conservation, physicochemical variation, residue mobility, and thermodynamic stability) indicates that this missense variant is not expected to disrupt MYH11 protein function with a negative predictive value of 95%. In summary, the available evidence is currently insufficient to determine the role of this variant in disease. Therefore, it has been classified as a Variant of Uncertain Significance.

Ambry Genetics
Classification: Uncertain significance for Familial thoracic aortic aneurysm and aortic dissection. Last evaluated: 2014-06-24. Review status: criteria provided, single submitter. Criteria: Ambry Variant Classification Scheme 2023. Collection method: clinical testing. Allele origin: germline.
Comment: The p.K33N variant (also known as c.99G>C), located in coding exon 1 of the MYH11 gene, results from a G to C substitution at nucleotide position 99. The lysine at codon 33 is replaced by asparagine, an amino acid with some similar properties. This variant was not reported in population based cohorts in the following databases: Database of Single Nucleotide Polymorphisms (dbSNP), NHLBI Exome Sequencing Project (ESP), and 1000 Genomes Project. In the ESP, this variant was not observed in 6497 samples (12,994 alleles) with coverage at this position. This amino acid position is conserved in available vertebrate species except for zebrafish and lamprey. In addition, the in silico prediction for this alteration is inconclusive. Since supporting evidence is limited at this time, the clinical significance of this variant remains unclear.